The following is an entry in ClinVar:

NM_001134831.2(AHI1):c.724C>T (p.Pro242Ser)

Gene: AHI1 (Abelson helper integration site 1; minus strand). Cytogenetic location: 6q23.3.
Variant type: single nucleotide variant.
Coding change: c.724C>T on transcript NM_001134831.2 (MANE Select); coding-DNA position 724, C replaced by T.
Protein change: p.Pro242Ser; replaces proline 242 with serine.
Molecular consequence: missense variant.
Genome position (GRCh38, 1-based): chr6:135,465,839, G>A on the plus strand (C>T on the coding strand, the complement: AHI1 is on the minus strand). VCF-style: chr6-135465839-G-A. GRCh37 (hg19) VCF-style: chr6-135786977-G-A.
Other names: c.724C>T, p.Pro242Ser (NM_001134830.2, NM_001134832.2, NM_001350503.2 and 2 more transcripts); short protein forms P242S.
Identifiers: ClinVar variation 260861 (VCV000260861.54), dbSNP rs143522987, ClinGen allele CA4012775.

ClinVar aggregate classification (germline): Benign/Likely benign. Review status: criteria provided, multiple submitters, no conflicts (2 of 4 stars). 9 submissions from 9 submitters: Benign (3); Likely benign (5). 1 of the submissions does not count toward it. Last evaluated 2026-05-01.

Conditions:
AHI1-related disorder. Also called: AHI1-related condition.
Joubert syndrome 3 (JBTS3). Also called: AHI1-related Ciliopathy. Identifiers: Orphanet 220493, MedGen C1837713, MONDO:0012078, OMIM 608629.
Joubert syndrome. Also called: JOUBERT-BOLTSHAUSER SYNDROME; Familial aplasia of the vermis. Identifiers: Orphanet 475, MedGen C5979921, MONDO:0018772.

Allele frequency attached by ClinVar (database versions not stated): gnomAD exomes 0.00097; ExAC 0.00108; ESP Exome Variant Server 0.00178; gnomAD 0.00303 and 0.00307; TOPMed 0.00345; 1000 Genomes Project 0.00539; 1000 Genomes Project 30x 0.00547.
gnomAD v4.1: 1,001 of 1,479,658 alleles (0.068%); highest among the groups gnomAD compares: African/African-American, 1%; 11 homozygotes.

Submissions (9):

CeGaT Center for Human Genetics Tuebingen
Classification: Likely benign. Last evaluated: 2026-05-01. Review status: criteria provided, single submitter. Criteria: CeGaT Center For Human Genetics Tuebingen Variant Classification Criteria Version 2. Collection method: clinical testing. Allele origin: germline. Affected: yes. Observed: 3 variant alleles.
Comment: AHI1: BP4, BS1

Labcorp Genetics (formerly Invitae), Labcorp
Classification: Benign for Joubert syndrome. Last evaluated: 2026-02-01. Review status: criteria provided, single submitter. Criteria: Invitae Variant Classification Sherloc (09022015). Collection method: clinical testing. Allele origin: germline.

Blueprint Genetics
Classification: Likely benign. Last evaluated: 2024-09-18. Review status: criteria provided, single submitter. Criteria: ACMG Guidelines, 2015. Collection method: clinical testing. Allele origin: germline.

GeneDx
Classification: Benign. Last evaluated: 2019-03-29. Review status: criteria provided, single submitter. Criteria: GeneDx Variant Classification Process June 2021. Collection method: clinical testing. Allele origin: germline. Affected: yes.

Genetic Services Laboratory, University of Chicago
Classification: Benign. Last evaluated: 2019-01-15. Review status: criteria provided, single submitter. Criteria: ACMG Guidelines, 2015. Collection method: clinical testing. Allele origin: germline. Affected: no.

Illumina Laboratory Services, Illumina
Classification: Likely benign for Joubert syndrome 3. Last evaluated: 2018-01-13. Review status: criteria provided, single submitter. Criteria: ICSL Variant Classification Criteria 13 December 2019. Collection method: clinical testing. Allele origin: germline.
Comment: This variant was observed in the ICSL laboratory as part of a predisposition screen in an ostensibly healthy population. It had not been previously curated by ICSL or reported in the Human Gene Mutation Database (HGMD: prior to June 1st, 2018), and was therefore a candidate for classification through an automated scoring system. Utilizing variant allele frequency, disease prevalence and penetrance estimates, and inheritance mode, an automated score was calculated to assess if this variant is too frequent to cause the disease. Based on the score and internal cut-off values, a variant classified as likely benign is not then subjected to further curation. The score for this variant resulted in a classification of likely benign for this disease.

Center for Pediatric Genomic Medicine, Children's Mercy Hospital and Clinics
Classification: Likely benign. Last evaluated: 2016-06-14. Review status: criteria provided, single submitter. Criteria: ACMG Guidelines, 2015. Collection method: clinical testing. Allele origin: germline.
ClinVar note: Converted during submission from Likely Benign to Likely benign.

Breakthrough Genomics
Classification: Likely benign. Review status: criteria provided, single submitter. Criteria: ACMG Guidelines, 2015. Collection method: not provided. Allele origin: germline. Inheritance: Autosomal recessive inheritance. Affected: yes.

PreventionGenetics, part of Exact Sciences
Classification: Benign for AHI1-related condition. Last evaluated: 2019-06-15. Review status: no assertion criteria provided. Collection method: clinical testing. Allele origin: germline. Not counted in ClinVar's aggregate classification.
Comment: This variant is classified as benign based on ACMG/AMP sequence variant interpretation guidelines (Richards et al. 2015 PMID: 25741868, with internal and published modifications).